The following is an entry in ClinVar:

ClinVar aggregate classification (germline): Benign/Likely benign. Review status: criteria provided, multiple submitters, no conflicts (2 of 4 stars). 3 submissions from 3 submitters: Benign (1); Likely benign (1). 1 of the submissions does not count toward it. Last evaluated 2024-09-13.

Conditions:
SRGAP3-related disorder. Also called: SRGAP3-related condition.

Allele frequency attached by ClinVar (database versions not stated): 1000 Genomes Project 30x 0.00062; ExAC 0.00076; 1000 Genomes Project 0.00080; ESP Exome Variant Server 0.00131; TOPMed 0.00153.
gnomAD v4.1: 463 of 1,594,028 alleles (0.029%); highest among the groups gnomAD compares: African/African-American, 0.44%; 3 homozygotes.

Submissions (3):

Blueprint Genetics
Classification: Likely benign. Last evaluated: 2024-09-13. Review status: criteria provided, single submitter. Criteria: ACMG Guidelines, 2015. Collection method: clinical testing. Allele origin: germline.

Labcorp Genetics (formerly Invitae), Labcorp
Classification: Benign. Last evaluated: 2018-07-13. Review status: criteria provided, single submitter. Criteria: Invitae Variant Classification Sherloc (09022015). Collection method: clinical testing. Allele origin: germline.

PreventionGenetics, part of Exact Sciences
Classification: Likely benign for SRGAP3-related condition. Last evaluated: 2019-10-28. Review status: no assertion criteria provided. Collection method: clinical testing. Allele origin: germline. Not counted in ClinVar's aggregate classification.
Comment: This variant is classified as likely benign based on ACMG/AMP sequence variant interpretation guidelines (Richards et al. 2015 PMID: 25741868, with internal and published modifications).

NM_014850.4(SRGAP3):c.2817G>A (p.Ser939=)

Gene: SRGAP3 (SLIT-ROBO Rho GTPase activating protein 3; minus strand). Cytogenetic location: 3p25.3.
Variant type: single nucleotide variant.
Coding change: c.2817G>A on transcript NM_014850.4 (MANE Select); coding-DNA position 2817, G replaced by A.
Protein change: p.Ser939=; no amino-acid change (serine 939 retained).
Molecular consequence: synonymous variant.
Genome position (GRCh38, 1-based): chr3:8,990,581, C>T on the plus strand (G>A on the coding strand, the complement: SRGAP3 is on the minus strand). VCF-style: chr3-8990581-C-T. GRCh37 (hg19) VCF-style: chr3-9032265-C-T.
Other names: c.2745G>A, p.Ser915= (NM_001033117.3).
Identifiers: ClinVar variation 708765 (VCV000708765.6), dbSNP rs146287162, ClinGen allele CA2237351.